The following is an entry in ClinVar:

ClinVar aggregate classification (germline): Benign. Review status: criteria provided, multiple submitters, no conflicts (2 of 4 stars). 2 submissions from 2 submitters: Benign (2). Last evaluated 2026-01-28.

Conditions:
Primary pulmonary hypertension. Also called: Idiopathic pulmonary hypertension. Identifiers: MedGen C0152171.
Pulmonary hypertension, primary, 1 (PPH1). Also called: Pulmonary hypertension, familial primary, 1, with or without HHT. Identifiers: Orphanet 422, MedGen C4552070, MONDO:0024533, OMIM 178600.

Allele frequency attached by ClinVar (database versions not stated): gnomAD 0.00006 and 0.00007; ESP Exome Variant Server 0.00008; TOPMed 0.00010; gnomAD exomes 0.00025; ExAC 0.00028.
gnomAD v4.1: 200 of 1,613,738 alleles (0.012%); highest among the groups gnomAD compares: Admixed American, 0.005%; no homozygotes.

Submissions (4):

Labcorp Genetics (formerly Invitae), Labcorp
Classification: Benign for Primary pulmonary hypertension. Last evaluated: 2026-01-28. Review status: criteria provided, single submitter. Criteria: Invitae Variant Classification Sherloc (09022015). Collection method: clinical testing. Allele origin: germline.

Illumina Laboratory Services, Illumina
Classification: Benign for Pulmonary hypertension, primary, 1. Last evaluated: 2018-01-13. Review status: criteria provided, single submitter. Criteria: ICSL Variant Classification Criteria 13 December 2019. Collection method: clinical testing. Allele origin: germline.
Comment: This variant was observed in the ICSL laboratory as part of a predisposition screen in an ostensibly healthy population. It had not been previously curated by ICSL or reported in the Human Gene Mutation Database (HGMD: prior to June 1st, 2018), and was therefore a candidate for classification through an automated scoring system. Utilizing variant allele frequency, disease prevalence and penetrance estimates, and inheritance mode, an automated score was calculated to assess if this variant is too frequent to cause the disease. Based on the score and internal cut-off values, a variant classified as benign is not then subjected to further curation. The score for this variant resulted in a classification of benign for this disease.

Dr. Peter K. Rogan Lab, Western University
No classification provided (evidence only). Condition: Lung cancer. Review status: no classification provided. Collection method: in vitro. Allele origin: not applicable. Functional consequence: retained intron. Not counted in ClinVar's aggregate classification.

Dr. Peter K. Rogan Lab, Western University
No classification provided (evidence only). Condition: Familial cancer of breast. Review status: no classification provided. Collection method: in vitro. Allele origin: not applicable. Functional consequence: retained intron. Not counted in ClinVar's aggregate classification.

NM_001204.7(BMPR2):c.1414-3C>T

Gene: BMPR2 (bone morphogenetic protein receptor type 2; plus strand). Cytogenetic location: 2q33.2.
Variant type: single nucleotide variant.
Coding change: c.1414-3C>T on transcript NM_001204.7 (MANE Select); 3 bases into the intron before coding-DNA position 1414, C replaced by T.
Molecular consequence: intron variant.
Genome position (GRCh38, 1-based): chr2:202,552,713, C>T. VCF-style: chr2-202552713-C-T. GRCh37 (hg19) VCF-style: chr2-203417436-C-T.
Other names: c.1414-3C>T (LRG_712t1).
Identifiers: ClinVar variation 333644 (VCV000333644.16), dbSNP rs199623676, ClinGen allele CA2061375.